The following is an entry in ClinVar:

ClinVar aggregate classification (germline): Likely benign (1 of 4 stars; one submission).

Allele frequency attached by ClinVar (database versions not stated): ExAC 0.00001; gnomAD 0.00001; gnomAD exomes 0.00001; TOPMed 0.00001; 1000 Genomes Project 30x 0.00016.
gnomAD v4.1: 10 of 1,614,140 alleles (0.00062%); highest among the groups gnomAD compares: East Asian, 0.0022%; no homozygotes.

Submission:

CeGaT Center for Human Genetics Tuebingen
Classification: Likely benign. Last evaluated: 2025-06-01. Review status: criteria provided, single submitter. Criteria: CeGaT Center For Human Genetics Tuebingen Variant Classification Criteria Version 2. Collection method: clinical testing. Allele origin: germline. Affected: yes. Observed: 3 variant alleles.
Comment: KMT2C: BP4, BP7

NM_170606.3(KMT2C):c.6756A>G (p.Gln2252=)

Gene: KMT2C (lysine methyltransferase 2C; minus strand). Cytogenetic location: 7q36.1.
Variant type: single nucleotide variant.
Coding change: c.6756A>G on transcript NM_170606.3 (MANE Select); coding-DNA position 6756, A replaced by G.
Protein change: p.Gln2252=; no amino-acid change (glutamine 2252 retained).
Molecular consequence: synonymous variant.
Genome position (GRCh38, 1-based): chr7:152,181,104, T>C on the plus strand (A>G on the coding strand, the complement: KMT2C is on the minus strand). VCF-style: chr7-152181104-T-C. GRCh37 (hg19) VCF-style: chr7-151878189-T-C.
Identifiers: ClinVar variation 2658213 (VCV002658213.24), dbSNP rs747926613, ClinGen allele CA4580018.